The following is an entry in ClinVar:

ClinVar aggregate classification (germline): Pathogenic (1 of 4 stars; one submission).

Conditions:
Ehlers-Danlos syndrome, classic type, 1 (EDSCL1). Also called: EHLERS-DANLOS SYNDROME, GRAVIS TYPE; EHLERS-DANLOS SYNDROME, SEVERE CLASSIC TYPE; EDS I; Ehlers-Danlos Syndrome, Classic Type, COL5A1-Related; Ehlers-Danlos syndrome, type 1. Identifiers: MedGen C0268335, MONDO:0019567, OMIM 130000.

Submission:

Labcorp Genetics (formerly Invitae), Labcorp
Classification: Pathogenic for Ehlers-Danlos syndrome, classic type, 1. Last evaluated: 2020-05-23. Review status: criteria provided, single submitter. Criteria: Invitae Variant Classification Sherloc (09022015). Collection method: clinical testing. Allele origin: germline.
Comment: For these reasons, this variant has been classified as Pathogenic. Loss-of-function variants in COL5A1 are known to be pathogenic (PMID: 23587214). This variant has not been reported in the literature in individuals with COL5A1-related conditions. This variant is a gross deletion of the genomic region encompassing exon(s) 1-6 of the COL5A1 gene, which includes the initiator codon. The 5' end of this event is unknown as it extends beyond the assayed region for this gene and therefore may encompass additional genes. The 3' boundary is likely confined to intron 6 of the COL5A1 gene. This is expected to result in an absent or disrupted protein product.

Literature cited by the submitters: PubMed 23587214.

NC_000009.11:g.(?_137534024)_(137620663_?)del

Gene: COL5A1 (collagen type V alpha 1 chain; plus strand). Cytogenetic location: 9q34.3.
Variant type: Deletion.
Identifiers: ClinVar variation 1068592 (VCV001068592.44).